The following is an entry in ClinVar:

ClinVar aggregate classification (germline): Uncertain significance (1 of 4 stars; one submission).

Conditions:
Familial sleep-related hypermotor epilepsy. Also called: Autosomal Dominant Sleep-Related Hypermotor (Hyperkinetic) Epilepsy. Identifiers: Orphanet 98784, MedGen C3696898, MONDO:0000030.

gnomAD v4.1: 3 of 1,516,894 alleles (0.0002%); highest among the groups gnomAD compares: Non-Finnish European, 0.00026%; no homozygotes.

Submission:

Labcorp Genetics (formerly Invitae), Labcorp
Classification: Uncertain significance. Last evaluated: 2025-03-22. Review status: criteria provided, single submitter. Criteria: Invitae Variant Classification Sherloc (09022015). Collection method: clinical testing. Allele origin: germline.
Comment: This sequence change replaces leucine, which is neutral and non-polar, with glutamine, which is neutral and polar, at codon 460 of the CHRNA4 protein (p.Leu460Gln). This variant is present in population databases (no rsID available, gnomAD 0.004%), including at least one homozygous and/or hemizygous individual. This variant has not been reported in the literature in individuals affected with CHRNA4-related conditions. Invitae Evidence Modeling of protein sequence and biophysical properties (such as structural, functional, and spatial information, amino acid conservation, physicochemical variation, residue mobility, and thermodynamic stability) indicates that this missense variant is not expected to disrupt CHRNA4 protein function with a negative predictive value of 80%. In summary, the available evidence is currently insufficient to determine the role of this variant in disease. Therefore, it has been classified as a Variant of Uncertain Significance.

NM_000744.7(CHRNA4):c.1379T>A (p.Leu460Gln)

Gene: CHRNA4 (cholinergic receptor nicotinic alpha 4 subunit; minus strand). Cytogenetic location: 20q13.33.
Variant type: single nucleotide variant.
Coding change: c.1379T>A on transcript NM_000744.7 (MANE Select); coding-DNA position 1379, T replaced by A.
Protein change: p.Leu460Gln; replaces leucine 460 with glutamine.
Molecular consequence: missense variant. On other transcripts: non-coding transcript variant (1).
Genome position (GRCh38, 1-based): chr20:63,350,032, A>T on the plus strand (T>A on the coding strand, the complement: CHRNA4 is on the minus strand). VCF-style: chr20-63350032-A-T. GRCh37 (hg19) VCF-style: chr20-61981384-A-T.
Other names: c.851T>A, p.Leu284Gln (NM_001256573.2); short protein forms L284Q, L460Q.
Identifiers: ClinVar variation 4750138 (VCV004750138.1).